The following is an entry in ClinVar:

NM_018941.4(CLN8):c.573G>C (p.Lys191Asn)

Gene: CLN8 (CLN8 transmembrane ER and ERGIC protein; plus strand). Cytogenetic location: 8p23.3.
Variant type: single nucleotide variant.
Coding change: c.573G>C on transcript NM_018941.4 (MANE Select); coding-DNA position 573, G replaced by C.
Protein change: p.Lys191Asn; replaces lysine 191 with asparagine.
Molecular consequence: missense variant.
Genome position (GRCh38, 1-based): chr8:1,780,279, G>C. VCF-style: chr8-1780279-G-C. GRCh37 (hg19) VCF-style: chr8-1728445-G-C.
Other names: short protein forms K191N.
Identifiers: ClinVar variation 2132601 (VCV002132601.4), dbSNP rs1801671744, ClinGen allele CA369953862.

ClinVar aggregate classification (germline): Uncertain significance (1 of 4 stars; one submission).

Conditions:
Neuronal ceroid lipofuscinosis. Also called: Neuronal Ceroid Lipofuscinoses. Identifiers: Orphanet 216, Orphanet 79263, MedGen C0027877, MONDO:0016295. Disease mechanism: loss of function.

Submission:

Labcorp Genetics (formerly Invitae), Labcorp
Classification: Uncertain significance for Neuronal ceroid lipofuscinosis. Last evaluated: 2024-02-19. Review status: criteria provided, single submitter. Criteria: Invitae Variant Classification Sherloc (09022015). Collection method: clinical testing. Allele origin: germline.
Comment: This sequence change replaces lysine, which is basic and polar, with asparagine, which is neutral and polar, at codon 191 of the CLN8 protein (p.Lys191Asn). This variant is not present in population databases (gnomAD no frequency). This variant has not been reported in the literature in individuals affected with CLN8-related conditions. ClinVar contains an entry for this variant (Variation ID: 2132601). Advanced modeling of protein sequence and biophysical properties (such as structural, functional, and spatial information, amino acid conservation, physicochemical variation, residue mobility, and thermodynamic stability) has been performed at Invitae for this missense variant, however the output from this modeling did not meet the statistical confidence thresholds required to predict the impact of this variant on CLN8 protein function. In summary, the available evidence is currently insufficient to determine the role of this variant in disease. Therefore, it has been classified as a Variant of Uncertain Significance.